The following is an entry in ClinVar:

ClinVar aggregate classification (germline): Likely benign (1 of 4 stars; one submission).

Conditions:
TRIO-related disorder. Also called: TRIO-related disorders; TRIO-related condition.

gnomAD v4.1: 17 of 1,614,148 alleles (0.0011%); highest among the groups gnomAD compares: East Asian, 0.0045%; no homozygotes.

Submission:

PreventionGenetics, part of Exact Sciences
Classification: Likely benign for TRIO-related condition. Last evaluated: 2025-07-17. Review status: criteria provided, single submitter. Criteria: ACMG Guidelines, 2015. Collection method: clinical testing. Allele origin: germline.
Comment: This variant is classified as likely benign based on ACMG/AMP sequence variant interpretation guidelines (Richards et al. 2015 PMID: 25741868, with internal and published modifications).

NM_007118.4(TRIO):c.8262C>T (p.Asp2754=)

Genes: TRIO (trio Rho guanine nucleotide exchange factor; plus strand), LOC126807323 (CDK7 strongly-dependent group 2 enhancer GRCh37_chr5:14497716-14498915; plus strand). Cytogenetic location: 5p15.2.
Variant type: single nucleotide variant.
Coding change: c.8262C>T on transcript NM_007118.4 (MANE Select); coding-DNA position 8262, C replaced by T.
Protein change: p.Asp2754=; no amino-acid change (aspartic acid 2754 retained).
Molecular consequence: synonymous variant. On other transcripts: non-coding transcript variant (1).
Genome position (GRCh38, 1-based): chr5:14,498,570, C>T. VCF-style: chr5-14498570-C-T. GRCh37 (hg19) VCF-style: chr5-14498679-C-T.
Identifiers: ClinVar variation 4978652 (VCV004978652.1).